The following is an entry in ClinVar:

NM_016203.4(PRKAG2):c.74A>G (p.Asn25Ser)

Gene: PRKAG2 (protein kinase AMP-activated non-catalytic subunit gamma 2; minus strand). Cytogenetic location: 7q36.1.
Variant type: single nucleotide variant.
Coding change: c.74A>G on transcript NM_016203.4 (MANE Select); coding-DNA position 74, A replaced by G.
Protein change: p.Asn25Ser; replaces asparagine 25 with serine.
Molecular consequence: missense variant.
Genome position (GRCh38, 1-based): chr7:151,876,547, T>C on the plus strand (A>G on the coding strand, the complement: PRKAG2 is on the minus strand). VCF-style: chr7-151876547-T-C. GRCh37 (hg19) VCF-style: chr7-151573632-T-C.
Other names: c.74A>G, p.Asn25Ser (NM_001407021.1, NM_001407022.1, NM_001407023.1 and 2 more transcripts); short protein forms N25S.
Identifiers: ClinVar variation 3636785 (VCV003636785.2).

ClinVar aggregate classification (germline): Uncertain significance (1 of 4 stars; one submission).

Conditions:
Lethal congenital glycogen storage disease of heart. Also called: PHOSPHORYLASE KINASE DEFICIENCY OF HEART; GLYCOGEN STORAGE DISEASE OF HEART. Identifiers: Orphanet 439854, MedGen C1849813, MONDO:0009867, OMIM 261740.

Submission:

Labcorp Genetics (formerly Invitae), Labcorp
Classification: Uncertain significance for Lethal congenital glycogen storage disease of heart. Last evaluated: 2024-10-24. Review status: criteria provided, single submitter. Criteria: Invitae Variant Classification Sherloc (09022015). Collection method: clinical testing. Allele origin: germline.
Comment: This sequence change replaces asparagine, which is neutral and polar, with serine, which is neutral and polar, at codon 25 of the PRKAG2 protein (p.Asn25Ser). This variant is not present in population databases (gnomAD no frequency). This variant has not been reported in the literature in individuals affected with PRKAG2-related conditions. Invitae Evidence Modeling of protein sequence and biophysical properties (such as structural, functional, and spatial information, amino acid conservation, physicochemical variation, residue mobility, and thermodynamic stability) indicates that this missense variant is not expected to disrupt PRKAG2 protein function with a negative predictive value of 95%. In summary, the available evidence is currently insufficient to determine the role of this variant in disease. Therefore, it has been classified as a Variant of Uncertain Significance.